The following is an entry in ClinVar:

ClinVar aggregate classification (germline): Pathogenic (1 of 4 stars; one submission).

Conditions:
Angelman syndrome-like. Identifiers: MedGen CN128785.
Developmental and epileptic encephalopathy, 2 (DEE2). Also called: INFANTILE SPASM SYNDROME, X-LINKED 2; CDKL5 deficiency disorder. Identifiers: Orphanet 1934, Orphanet 3451, Orphanet 505652, MedGen C4750718, MONDO:0010396, OMIM 300672.

Submissions (2):

Labcorp Genetics (formerly Invitae), Labcorp
Classification: Pathogenic for Developmental and epileptic encephalopathy, 2; Angelman syndrome-like. Last evaluated: 2022-09-01. Review status: criteria provided, single submitter. Criteria: Invitae Variant Classification Sherloc (09022015). Collection method: clinical testing. Allele origin: germline.
Comment: This variant is not present in population databases (gnomAD no frequency). This sequence change creates a premature translational stop signal (p.Trp195*) in the CDKL5 gene. It is expected to result in an absent or disrupted protein product. Loss-of-function variants in CDKL5 are known to be pathogenic (PMID: 22872100). This variant has not been reported in the literature in individuals affected with CDKL5-related conditions. ClinVar contains an entry for this variant (Variation ID: 1456717). For these reasons, this variant has been classified as Pathogenic.

Dr. Peter K. Rogan Lab, Western University
No classification provided (evidence only). Condition: Thyroid cancer, nonmedullary, 1. Review status: no classification provided. Collection method: in vitro. Allele origin: not applicable. Functional consequence: retained intron. Not counted in ClinVar's aggregate classification.

Literature cited by the submitters: PubMed 22872100 (cited by Labcorp Genetics (formerly Invitae), Labcorp).

NM_001323289.2(CDKL5):c.585G>A (p.Trp195Ter)

Gene: CDKL5 (cyclin dependent kinase like 5; plus strand). Cytogenetic location: Xp22.13.
Variant type: single nucleotide variant.
Coding change: c.585G>A on transcript NM_001323289.2 (MANE Select); coding-DNA position 585, G replaced by A.
Protein change: p.Trp195Ter; replaces tryptophan 195 with a stop codon.
Molecular consequence: nonsense.
Genome position (GRCh38, 1-based): chrX:18,587,984, G>A. VCF-style: chrX-18587984-G-A. GRCh37 (hg19) VCF-style: chrX-18606104-G-A.
Other names: c.585G>A, p.Trp195Ter (NM_001037343.2, NM_003159.3); short protein forms W195*.
Identifiers: ClinVar variation 1456717 (VCV001456717.7), dbSNP rs2147147996, ClinGen allele CA412353140.